The following is an entry in ClinVar:

NM_000124.4(ERCC6):c.2230C>T (p.Arg744Trp)

Gene: ERCC6 (ERCC excision repair 6, chromatin remodeling factor; minus strand). Cytogenetic location: 10q11.23.
Variant type: single nucleotide variant.
Coding change: c.2230C>T on transcript NM_000124.4 (MANE Select); coding-DNA position 2230, C replaced by T.
Protein change: p.Arg744Trp; replaces arginine 744 with tryptophan.
Molecular consequence: missense variant.
Genome position (GRCh38, 1-based): chr10:49,478,410, G>A on the plus strand (C>T on the coding strand, the complement: ERCC6 is on the minus strand). VCF-style: chr10-49478410-G-A. GRCh37 (hg19) VCF-style: chr10-50686456-G-A.
Other names: c.2230C>T, p.Arg744Trp (NM_001346440.2); c.2230C>T (NM_000124.2); short protein forms R744W.
Identifiers: ClinVar variation 1698470 (VCV001698470.4), dbSNP rs368188837, ClinGen allele CA5495722.

ClinVar aggregate classification (germline): Uncertain significance. Review status: criteria provided, multiple submitters, no conflicts (2 of 4 stars). 3 submissions from 3 submitters: Uncertain significance (3). Last evaluated 2024-05-30.

Conditions:
Inborn genetic diseases. Identifiers: MedGen C0950123, MeSH D030342.

Allele frequency attached by ClinVar (database versions not stated): ExAC 0.00002; gnomAD 0.00002; gnomAD exomes 0.00002 and 0.00005; TOPMed 0.00002; ESP Exome Variant Server 0.00008.
gnomAD v4.1: 31 of 1,613,814 alleles (0.0019%); highest among the groups gnomAD compares: East Asian, 0.011%; 1 homozygote.

Submissions (3):

Ambry Genetics
Classification: Uncertain significance for Inborn genetic diseases. Last evaluated: 2024-05-30. Review status: criteria provided, single submitter. Criteria: Ambry Variant Classification Scheme 2023. Collection method: clinical testing. Allele origin: germline.

Women's Health and Genetics/Laboratory Corporation of America, LabCorp
Classification: Uncertain significance. Last evaluated: 2022-06-01. Review status: criteria provided, single submitter. Criteria: LabCorp Variant Classification Summary - May 2015. Collection method: clinical testing. Allele origin: germline.
Comment: Variant summary: ERCC6 c.2230C>T (p.Arg744Trp) results in a non-conservative amino acid change located in the SNF2, N-terminal domain of the encoded protein sequence. Five of five in-silico tools predict a damaging effect of the variant on protein function. The variant allele was found at a frequency of 4.8e-05 in 251320 control chromosomes. This frequency is not significantly higher than expected for a pathogenic variant in ERCC6 causing Cockayne Syndrome (4.8e-05 vs 0.0016), allowing no conclusion about variant significance. To our knowledge, no occurrence of c.2230C>T in individuals affected with Cockayne Syndrome and no experimental evidence demonstrating its impact on protein function have been reported. No clinical diagnostic laboratories have submitted clinical-significance assessments for this variant to ClinVar after 2014. Based on the evidence outlined above, the variant was classified as uncertain significance.

Labcorp Genetics (formerly Invitae), Labcorp
Classification: Uncertain significance. Last evaluated: 2022-02-25. Review status: criteria provided, single submitter. Criteria: Invitae Variant Classification Sherloc (09022015). Collection method: clinical testing. Allele origin: germline.
Comment: This sequence change replaces arginine, which is basic and polar, with tryptophan, which is neutral and slightly polar, at codon 744 of the ERCC6 protein (p.Arg744Trp). This variant is present in population databases (rs368188837, gnomAD 0.01%). This variant has not been reported in the literature in individuals affected with ERCC6-related conditions. Advanced modeling of protein sequence and biophysical properties (such as structural, functional, and spatial information, amino acid conservation, physicochemical variation, residue mobility, and thermodynamic stability) performed at Invitae indicates that this missense variant is expected to disrupt ERCC6 protein function. Algorithms developed to predict the effect of sequence changes on RNA splicing suggest that this variant may disrupt the consensus splice site. In summary, the available evidence is currently insufficient to determine the role of this variant in disease. Therefore, it has been classified as a Variant of Uncertain Significance.